The following is an entry in ClinVar:

ClinVar aggregate classification (germline): Uncertain significance (1 of 4 stars; one submission).

Conditions:
TTN-related disorder. Also called: TTN-related disorders; TTN-related condition; TTN-related disease.

Submission:

PreventionGenetics, part of Exact Sciences
Classification: Uncertain significance for TTN-related condition. Last evaluated: 2026-02-19. Review status: criteria provided, single submitter. Criteria: ACMG Guidelines, 2015. Collection method: clinical testing. Allele origin: germline.
Comment: The TTN c.11311+2429delA variant is predicted to result in an intronic deletion. Of note, this variant is also referred to as c.11705delA (p.Lys3902Argfs*4), located in exon 46 of the alternative Novex-3 transcript NM_133379 (minor small cardiac isoform). This exon is not included in any other TTN transcripts (principle cardiac or skeletal muscle isoforms). To our knowledge, this variant has not been reported in the literature or in a large population database (gnomAD), indicating this variant is rare. At this time, the clinical significance of this variant is uncertain due to the absence of conclusive functional and genetic evidence.

NM_001267550.2(TTN):c.11311+2429del

Gene: TTN (titin; minus strand). Cytogenetic location: 2q31.2.
Variant type: Deletion.
Coding change: c.11311+2429del on transcript NM_001267550.2 (MANE Select); 2429 bases into the intron after coding-DNA position 11311, one base deleted (A; older notation c.11311+2429delA).
Molecular consequence: intron variant. On other transcripts: frameshift variant (1).
Genome position (GRCh38, 1-based): chr2:178,750,695, T deleted on the plus strand (A on the coding strand, the reverse complement: TTN is on the minus strand); the first of 6 consecutive T bases (chr2:178,750,695-178,750,700); deleting any one gives the same sequence. VCF-style (leftmost placement, unchanged base first): chr2-178750694-CT-C. GRCh37 (hg19) VCF-style: chr2-179615421-CT-C.
Other names: c.11705del, p.Lys3902fs (NM_133379.5); c.10222+2429del (NM_003319.4); c.10798+2429del (NM_133437.4); c.10597+2429del (NM_133432.3); c.10360+2429del (NM_133378.4, NM_001256850.1); c.11311+2429delA (NM_001267550.2); short protein forms K3902fs.
Identifiers: ClinVar variation 4986114 (VCV004986114.1).